The following is an entry in ClinVar:

ClinVar aggregate classification (germline): Uncertain significance (1 of 4 stars; one submission).

Conditions:
ADCY10-related disorder. Also called: ADCY10-related condition.

Submission:

PreventionGenetics, part of Exact Sciences
Classification: Uncertain significance for ADCY10-related condition. Last evaluated: 2025-07-30. Review status: criteria provided, single submitter. Criteria: ACMG Guidelines, 2015. Collection method: clinical testing. Allele origin: germline.
Comment: The ADCY10 c.632G>C variant is predicted to result in the amino acid substitution p.Arg211Thr. To our knowledge, this variant has not been reported in the literature or in a large population database (gnomAD), indicating this variant is rare. At this time, the clinical significance of this variant is uncertain due to the absence of conclusive functional and genetic evidence.

NM_018417.6(ADCY10):c.632G>C (p.Arg211Thr)

Genes: ADCY10 (adenylate cyclase 10; minus strand), DCAF6 (DDB1 and CUL4 associated factor 6; plus strand). Cytogenetic location: 1q24.2.
Variant type: single nucleotide variant.
Coding change: c.632G>C on transcript NM_018417.6 (MANE Select); coding-DNA position 632, G replaced by C.
Protein change: p.Arg211Thr; replaces arginine 211 with threonine.
Molecular consequence: missense variant.
Genome position (GRCh38, 1-based): chr1:167,899,433, C>G on the plus strand (G>C on the coding strand, the complement: ADCY10 is on the minus strand). VCF-style: chr1-167899433-C-G. GRCh37 (hg19) VCF-style: chr1-167868671-C-G.
Other names: c.173G>C, p.Arg58Thr (NM_001167749.3); c.356G>C, p.Arg119Thr (NM_001297772.2); short protein forms R119T, R58T, R211T.
Identifiers: ClinVar variation 4988001 (VCV004988001.1).
Genomic context (GRCh38, chr1:167,899,433, plus strand): 5'-CTCTGTTACAGGCTGGCAGAACTTTCTGTAAGTAGCAGCATCACACCCACCTTAACTGCT[C>G]TCTGATCTGGAACACTCTCAATTTCAATCATGCTCCGGTCACAGAGCTGCCAGCAGTTTG-3'
Protein context (NP_060887.2, residues 201-221): MIEIESVPDQ[Arg211Thr]AVKVNFLKPP